The following is an entry in ClinVar:

NM_001848.3(COL6A1):c.1741-13G>A

Gene: COL6A1 (collagen type VI alpha 1 chain; plus strand). Cytogenetic location: 21q22.3.
Variant type: single nucleotide variant.
Coding change: c.1741-13G>A on transcript NM_001848.3 (MANE Select); 13 bases into the intron before coding-DNA position 1741, G replaced by A.
Molecular consequence: intron variant.
Genome position (GRCh38, 1-based): chr21:45,999,644, G>A. VCF-style: chr21-45999644-G-A. GRCh37 (hg19) VCF-style: chr21-47419558-G-A.
Identifiers: ClinVar variation 340322 (VCV000340322.12), dbSNP rs201063714, ClinGen allele CA10070530.
Genomic context (GRCh38, chr21:45,999,644, plus strand): 5'-GGGGGCTGTCTCAGCTCAGGAAGCACAGTGGGCTCCTCACCCTCAGAGCTCCTCTACTCC[G>A]TTTCTCGGACAGGGACCCCCAGGACACCAAGGACCGCCTGGGCCGGACGTAAGTGGGGCT-3'

ClinVar aggregate classification (germline): Benign/Likely benign. Review status: criteria provided, multiple submitters, no conflicts (2 of 4 stars). 2 submissions from 2 submitters: Benign (1); Likely benign (1). Last evaluated 2024-12-05.

Conditions:
Collagen 6-related myopathy. Identifiers: MedGen CN117976, MONDO:0100225.
Bethlem myopathy 1A. Also called: MYOPATHY, BENIGN CONGENITAL, WITH CONTRACTURES; Bethlem myopathy 1; Bethlem Muscular Dystrophy. Identifiers: Orphanet 610, MedGen CN029274, MONDO:0024530, OMIM 158810.

Allele frequency attached by ClinVar (database versions not stated): ExAC 0.00004; gnomAD 0.00004; gnomAD exomes 0.00004; TOPMed 0.00004; 1000 Genomes Project 0.00020; 1000 Genomes Project 30x 0.00047.

Submissions (2):

Labcorp Genetics (formerly Invitae), Labcorp
Classification: Likely benign for Bethlem myopathy 1A. Last evaluated: 2024-12-05. Review status: criteria provided, single submitter. Criteria: Invitae Variant Classification Sherloc (09022015). Collection method: clinical testing. Allele origin: germline.

Illumina Laboratory Services, Illumina
Classification: Benign for Collagen VI-related myopathy. Last evaluated: 2018-01-13. Review status: criteria provided, single submitter. Criteria: ICSL Variant Classification Criteria 13 December 2019. Collection method: clinical testing. Allele origin: germline.
Comment: This variant was observed in the ICSL laboratory as part of a predisposition screen in an ostensibly healthy population. It had not been previously curated by ICSL or reported in the Human Gene Mutation Database (HGMD: prior to June 1st, 2018), and was therefore a candidate for classification through an automated scoring system. Utilizing variant allele frequency, disease prevalence and penetrance estimates, and inheritance mode, an automated score was calculated to assess if this variant is too frequent to cause the disease. Based on the score and internal cut-off values, a variant classified as benign is not then subjected to further curation. The score for this variant resulted in a classification of benign for this disease.